The following is an entry in ClinVar:

NM_001123385.2(BCOR):c.4858C>G (p.Pro1620Ala)

Gene: BCOR (BCL6 corepressor; minus strand). Cytogenetic location: Xp11.4.
Variant type: single nucleotide variant.
Coding change: c.4858C>G on transcript NM_001123385.2 (MANE Select); coding-DNA position 4858, C replaced by G.
Protein change: p.Pro1620Ala; replaces proline 1620 with alanine.
Molecular consequence: missense variant.
Genome position (GRCh38, 1-based): chrX:40,054,004, G>C on the plus strand (C>G on the coding strand, the complement: BCOR is on the minus strand). VCF-style: chrX-40054004-G-C. GRCh37 (hg19) VCF-style: chrX-39913257-G-C.
Other names: c.4756C>G, p.Pro1586Ala (NM_001123383.2, NM_017745.6); c.4702C>G, p.Pro1568Ala (NM_001123384.2); short protein forms P1620A, P1568A, P1586A.
Identifiers: ClinVar variation 1362567 (VCV001362567.9), dbSNP rs759345634, ClinGen allele CA10386359.

ClinVar aggregate classification (germline): Uncertain significance. Review status: criteria provided, multiple submitters, no conflicts (2 of 4 stars). 2 submissions from 2 submitters: Uncertain significance (2). Last evaluated 2023-01-10.

Conditions:
Inborn genetic diseases. Identifiers: MedGen C0950123, MeSH D030342.
Oculofaciocardiodental syndrome (MCOPS2). Identifiers: Orphanet 2712, MedGen C1846265, MONDO:0010261, OMIM 300166.

Allele frequency attached by ClinVar (database versions not stated): gnomAD exomes below 0.00001 and 0.00001; ExAC 0.00001; TOPMed 0.00001.
gnomAD v4.1: 1 of 1,211,351 alleles (0.000083%); highest among the groups gnomAD compares: Non-Finnish European, 0.00011%; no homozygotes.

Submissions (2):

Ambry Genetics
Classification: Uncertain significance for Inborn genetic diseases. Last evaluated: 2023-01-10. Review status: criteria provided, single submitter. Criteria: Ambry Variant Classification Scheme 2023. Collection method: clinical testing. Allele origin: germline.

Labcorp Genetics (formerly Invitae), Labcorp
Classification: Uncertain significance for Oculofaciocardiodental syndrome. Last evaluated: 2021-04-05. Review status: criteria provided, single submitter. Criteria: Invitae Variant Classification Sherloc (09022015). Collection method: clinical testing. Allele origin: germline.
Comment: In summary, the available evidence is currently insufficient to determine the role of this variant in disease. Therefore, it has been classified as a Variant of Uncertain Significance. Algorithms developed to predict the effect of missense changes on protein structure and function (SIFT, PolyPhen-2, Align-GVGD) all suggest that this variant is likely to be disruptive, but these predictions have not been confirmed by published functional studies and their clinical significance is uncertain. This variant has not been reported in the literature in individuals with BCOR-related conditions. This variant is present in population databases (rs759345634, ExAC 0.002%). This sequence change replaces proline with alanine at codon 1586 of the BCOR protein (p.Pro1586Ala). The proline residue is highly conserved and there is a small physicochemical difference between proline and alanine.